The following is an entry in ClinVar:

ClinVar aggregate classification (germline): Uncertain significance (1 of 4 stars; one submission).

Conditions:
Ehlers-Danlos syndrome, classic type, 1 (EDSCL1). Also called: EHLERS-DANLOS SYNDROME, GRAVIS TYPE; EHLERS-DANLOS SYNDROME, SEVERE CLASSIC TYPE; Ehlers-Danlos syndrome, type 1; Ehlers-Danlos Syndrome, Classic Type, COL5A1-Related; EDS I. Identifiers: MedGen C0268335, MONDO:0019567, OMIM 130000.

gnomAD v4.1: 2 of 1,613,356 alleles (0.00012%); highest among the groups gnomAD compares: Non-Finnish European, 0.000085%; no homozygotes.

Submission:

Labcorp Genetics (formerly Invitae), Labcorp
Classification: Uncertain significance for Ehlers-Danlos syndrome, classic type, 1. Last evaluated: 2024-04-03. Review status: criteria provided, single submitter. Criteria: Invitae Variant Classification Sherloc (09022015). Collection method: clinical testing. Allele origin: germline.
Comment: This sequence change replaces proline, which is neutral and non-polar, with leucine, which is neutral and non-polar, at codon 873 of the COL5A1 protein (p.Pro873Leu). This variant is not present in population databases (gnomAD no frequency). This variant has not been reported in the literature in individuals affected with COL5A1-related conditions. Advanced modeling of protein sequence and biophysical properties (such as structural, functional, and spatial information, amino acid conservation, physicochemical variation, residue mobility, and thermodynamic stability) has been performed at Invitae for this missense variant, however the output from this modeling did not meet the statistical confidence thresholds required to predict the impact of this variant on COL5A1 protein function. In summary, the available evidence is currently insufficient to determine the role of this variant in disease. Therefore, it has been classified as a Variant of Uncertain Significance.

NM_000093.5(COL5A1):c.2618C>T (p.Pro873Leu)

Gene: COL5A1 (collagen type V alpha 1 chain; plus strand). Cytogenetic location: 9q34.3.
Variant type: single nucleotide variant.
Coding change: c.2618C>T on transcript NM_000093.5 (MANE Select); coding-DNA position 2618, C replaced by T.
Protein change: p.Pro873Leu; replaces proline 873 with leucine.
Molecular consequence: missense variant.
Genome position (GRCh38, 1-based): chr9:134,786,020, C>T. VCF-style: chr9-134786020-C-T. GRCh37 (hg19) VCF-style: chr9-137677866-C-T.
Other names: c.2618C>T, p.Pro873Leu (NM_001278074.1); short protein forms P873L.
Identifiers: ClinVar variation 3703156 (VCV003703156.2).
Genomic context (GRCh38, chr9:134,786,020, plus strand): 5'-GTGCTGGCCATTAATGCAACTCTTTCTTCCCCCAGGGAAAACTCGGAGTCCCAGGGTTAC[C>T]AGGGTATCCAGGAAGACAAGGACCAAAGGTAACTTCTGGCCGTGTTAGGTGTCCCGGGAC-3'
Protein context (NP_000084.3, residues 863-883): EKGKLGVPGL[Pro873Leu]GYPGRQGPKG